The following is an entry in ClinVar:

NM_000073.3(CD3G):c.*244A>G

Gene: CD3G (CD3 gamma subunit of T-cell receptor complex; plus strand). Cytogenetic location: 11q23.3.
Variant type: single nucleotide variant.
Coding change: c.*244A>G on transcript NM_000073.3 (MANE Select); 244 bases downstream of the stop codon, A replaced by G.
Molecular consequence: 3 prime UTR variant.
Genome position (GRCh38, 1-based): chr11:118,353,344, A>G. VCF-style: chr11-118353344-A-G. GRCh37 (hg19) VCF-style: chr11-118224059-A-G.
Identifiers: ClinVar variation 302688 (VCV000302688.6), dbSNP rs45508093, ClinGen allele CA10633581.

ClinVar aggregate classification (germline): Benign. Review status: criteria provided, multiple submitters, no conflicts (2 of 4 stars). 2 submissions from 2 submitters: Benign (2). Last evaluated 2018-01-13.

Conditions:
Combined immunodeficiency due to CD3gamma deficiency. Also called: Immunodeficiency 17; CD3-GAMMA DEFICIENCY; SCID-LIKE IMMUNODEFICIENCY, T CELL-PARTIAL, B CELL-POSITIVE, NK CELL-POSITIVE; Immunodeficiency 17, CD3 gamma deficient. Identifiers: Orphanet 169082, MedGen C3810107, MONDO:0014276, OMIM 615607.

Allele frequency attached by ClinVar (database versions not stated): 1000 Genomes Project 0.07208; 1000 Genomes Project 30x 0.07245; gnomAD 0.12387 and 0.12672; TOPMed 0.12532.

Submissions (2):

Illumina Laboratory Services, Illumina
Classification: Benign for Combined immunodeficiency due to CD3gamma deficiency. Last evaluated: 2018-01-13. Review status: criteria provided, single submitter. Criteria: ICSL Variant Classification Criteria 13 December 2019. Collection method: clinical testing. Allele origin: germline.
Comment: This variant was observed in the ICSL laboratory as part of a predisposition screen in an ostensibly healthy population. It had not been previously curated by ICSL or reported in the Human Gene Mutation Database (HGMD: prior to June 1st, 2018), and was therefore a candidate for classification through an automated scoring system. Utilizing variant allele frequency, disease prevalence and penetrance estimates, and inheritance mode, an automated score was calculated to assess if this variant is too frequent to cause the disease. Based on the score and internal cut-off values, a variant classified as benign is not then subjected to further curation. The score for this variant resulted in a classification of benign for this disease.

Breakthrough Genomics
Classification: Benign. Review status: criteria provided, single submitter. Criteria: ACMG Guidelines, 2015. Collection method: not provided. Allele origin: germline. Inheritance: Autosomal recessive inheritance. Affected: yes.